The following is an entry in ClinVar:

NM_144563.3(RPIA):c.4C>T (p.Gln2Ter)

Genes: RPIA (ribose 5-phosphate isomerase A; plus strand), LOC129934277 (ATAC-STARR-seq lymphoblastoid silent region 11733; plus strand). Cytogenetic location: 2p11.2.
Variant type: single nucleotide variant.
Coding change: c.4C>T on transcript NM_144563.3 (MANE Select); coding-DNA position 4, C replaced by T.
Protein change: p.Gln2Ter; replaces glutamine 2 with a stop codon.
Molecular consequence: nonsense.
Genome position (GRCh38, 1-based): chr2:88,691,702, C>T. VCF-style: chr2-88691702-C-T. GRCh37 (hg19) VCF-style: chr2-88991220-C-T.
Other names: short protein forms Q2*.
Identifiers: ClinVar variation 2662889 (VCV002662889.1), dbSNP rs768204663, ClinGen allele CA1755042.

ClinVar aggregate classification (germline): Likely pathogenic (1 of 4 stars; one submission).

Allele frequency attached by ClinVar (database versions not stated): ExAC 0.00001; gnomAD 0.00002; TOPMed 0.00002; gnomAD exomes 0.00003.
gnomAD v4.1: 46 of 1,569,842 alleles (0.0029%); highest among the groups gnomAD compares: Non-Finnish European, 0.0039%; no homozygotes.

Submission:

GeneDx
Classification: Likely pathogenic. Last evaluated: 2023-04-18. Review status: criteria provided, single submitter. Criteria: GeneDx Variant Classification Process June 2021. Collection method: clinical testing. Allele origin: germline. Affected: yes.
Comment: Nonsense variant predicted to result in protein truncation or nonsense mediated decay in a gene for which loss of function is a known mechanism of disease; Not observed at significant frequency in large population cohorts (gnomAD); Has not been previously published as pathogenic or benign to our knowledge